The following is an entry in ClinVar:

ClinVar aggregate classification (germline): Uncertain significance. Review status: criteria provided, multiple submitters, no conflicts (2 of 4 stars). 2 submissions from 2 submitters: Uncertain significance (2). Last evaluated 2025-03-03.

Allele frequency attached by ClinVar (database versions not stated): gnomAD exomes 0.00001.
gnomAD v4.1: 3 of 1,614,046 alleles (0.00019%); highest among the groups gnomAD compares: South Asian, 0.0011%; no homozygotes.

Submissions (2):

Labcorp Genetics (formerly Invitae), Labcorp
Classification: Uncertain significance. Last evaluated: 2025-03-03. Review status: criteria provided, single submitter. Criteria: Invitae Variant Classification Sherloc (09022015). Collection method: clinical testing. Allele origin: germline.
Comment: This sequence change replaces glycine, which is neutral and non-polar, with alanine, which is neutral and non-polar, at codon 144 of the OTULIN protein (p.Gly144Ala). This variant is not present in population databases (gnomAD no frequency). This variant has not been reported in the literature in individuals affected with OTULIN-related conditions. ClinVar contains an entry for this variant (Variation ID: 2116819). Invitae Evidence Modeling of protein sequence and biophysical properties (such as structural, functional, and spatial information, amino acid conservation, physicochemical variation, residue mobility, and thermodynamic stability) indicates that this missense variant is not expected to disrupt OTULIN protein function with a negative predictive value of 80%. In summary, the available evidence is currently insufficient to determine the role of this variant in disease. Therefore, it has been classified as a Variant of Uncertain Significance.

Blueprint Genetics
Classification: Uncertain significance. Last evaluated: 2020-10-21. Review status: criteria provided, single submitter. Criteria: ACMG Guidelines, 2015. Collection method: clinical testing. Allele origin: germline.

NM_138348.6(OTULIN):c.431G>C (p.Gly144Ala)

Gene: OTULIN (OTU deubiquitinase with linear linkage specificity; plus strand). Cytogenetic location: 5p15.2.
Variant type: single nucleotide variant.
Coding change: c.431G>C on transcript NM_138348.6 (MANE Select); coding-DNA position 431, G replaced by C.
Protein change: p.Gly144Ala; replaces glycine 144 with alanine.
Molecular consequence: missense variant.
Genome position (GRCh38, 1-based): chr5:14,681,570, G>C. VCF-style: chr5-14681570-G-C. GRCh37 (hg19) VCF-style: chr5-14681679-G-C.
Other names: short protein forms G144A.
Identifiers: ClinVar variation 2116819 (VCV002116819.5), dbSNP rs2478185628, ClinGen allele CA359243040.